The following is an entry in ClinVar:

NM_001429.4(EP300):c.4628G>T (p.Gly1543Val)

Gene: EP300 (EP300 lysine acetyltransferase; plus strand). Cytogenetic location: 22q13.2.
Variant type: single nucleotide variant.
Coding change: c.4628G>T on transcript NM_001429.4 (MANE Select); coding-DNA position 4628, G replaced by T.
Protein change: p.Gly1543Val; replaces glycine 1543 with valine.
Molecular consequence: missense variant.
Genome position (GRCh38, 1-based): chr22:41,173,633, G>T. VCF-style: chr22-41173633-G-T. GRCh37 (hg19) VCF-style: chr22-41569637-G-T.
Other names: c.4550G>T, p.Gly1517Val (NM_001362843.2); short protein forms G1543V, G1517V.
Identifiers: ClinVar variation 3275596 (VCV003275596.3).
Genomic context (GRCh38, chr22:41,173,633, plus strand): 5'-ATTACTTAACAAAAACCTTATTTTCTTGTCTCCTTTGTGCTACTCTGCAGGTGACCAAGG[G>T]AGACAGCAAAAATGCTAAAAAGAAGAATAATAAGAAAACCAGCAAAAATAAGAGCAGCCT-3'
Protein context (NP_001420.2, residues 1533-1553): TSNESTDVTK[Gly1543Val]DSKNAKKKNN

ClinVar aggregate classification (germline): Likely benign. Review status: criteria provided, multiple submitters, no conflicts (2 of 4 stars). 3 submissions from 3 submitters: Likely benign (3). Last evaluated 2026-05-21.

Conditions:
EP300-related disorder. Also called: EP300-related condition; EP300-related disorders.
Inborn genetic diseases. Identifiers: MedGen C0950123, MeSH D030342.

gnomAD v4.1: 172 of 1,613,978 alleles (0.011%); highest among the groups gnomAD compares: Non-Finnish European, 0.00034%; no homozygotes.

Submissions (3):

PreventionGenetics, part of Exact Sciences
Classification: Likely benign for EP300-related condition. Last evaluated: 2026-05-21. Review status: criteria provided, single submitter. Criteria: ACMG Guidelines, 2015. Collection method: clinical testing. Allele origin: germline.
Comment: This variant is classified as likely benign based on ACMG/AMP sequence variant interpretation guidelines (Richards et al. 2015 PMID: 25741868, with internal and published modifications).

Ambry Genetics
Classification: Likely benign for Inborn genetic diseases. Last evaluated: 2024-03-31. Review status: criteria provided, single submitter. Criteria: Ambry Variant Classification Scheme 2023. Collection method: clinical testing. Allele origin: germline.

Blueprint Genetics
Classification: Likely benign. Last evaluated: 2023-03-27. Review status: criteria provided, single submitter. Criteria: ACMG Guidelines, 2015. Collection method: clinical testing. Allele origin: germline.